The following is an entry in ClinVar:

ClinVar aggregate classification (germline): Benign/Likely benign. Review status: criteria provided, multiple submitters, no conflicts (2 of 4 stars). 5 submissions from 5 submitters: Benign (1); Likely benign (3). 1 of the submissions does not count toward it. Last evaluated 2026-06-01.

Conditions:
FAT2-related disorder. Also called: FAT2-related condition.

Allele frequency attached by ClinVar (database versions not stated): 1000 Genomes Project 0.00060; 1000 Genomes Project 30x 0.00062; TOPMed 0.00135; gnomAD exomes 0.00159; ExAC 0.00169; ESP Exome Variant Server 0.00169.
gnomAD v4.1: 2,714 of 1,614,186 alleles (0.17%); highest among the groups gnomAD compares: Non-Finnish European, 0.19%; 1 homozygote.

Submissions (5):

CeGaT Center for Human Genetics Tuebingen
Classification: Benign. Last evaluated: 2026-06-01. Review status: criteria provided, single submitter. Criteria: CeGaT Center For Human Genetics Tuebingen Variant Classification Criteria Version 2. Collection method: clinical testing. Allele origin: germline. Affected: yes. Observed: 4 variant alleles.
Comment: FAT2: BP4, BS1, BS2

Labcorp Genetics (formerly Invitae), Labcorp
Classification: Likely benign. Last evaluated: 2025-12-01. Review status: criteria provided, single submitter. Criteria: Invitae Variant Classification Sherloc (09022015). Collection method: clinical testing. Allele origin: germline.

Blueprint Genetics
Classification: Likely benign. Last evaluated: 2024-11-25. Review status: criteria provided, single submitter. Criteria: ACMG Guidelines, 2015. Collection method: clinical testing. Allele origin: germline.

Breakthrough Genomics
Classification: Likely benign. Review status: criteria provided, single submitter. Criteria: ACMG Guidelines, 2015. Collection method: not provided. Allele origin: germline. Inheritance: Autosomal dominant inheritance. Affected: yes.

PreventionGenetics, part of Exact Sciences
Classification: Likely benign for FAT2-related condition. Last evaluated: 2020-09-15. Review status: no assertion criteria provided. Collection method: clinical testing. Allele origin: germline. Not counted in ClinVar's aggregate classification.
Comment: This variant is classified as likely benign based on ACMG/AMP sequence variant interpretation guidelines (Richards et al. 2015 PMID: 25741868, with internal and published modifications).

NM_001447.3(FAT2):c.11354G>A (p.Arg3785Gln)

Genes: FAT2 (FAT atypical cadherin 2; minus strand), SLC36A1 (solute carrier family 36 member 1; plus strand). Cytogenetic location: 5q33.1.
Variant type: single nucleotide variant.
Coding change: c.11354G>A on transcript NM_001447.3 (MANE Select); coding-DNA position 11354, G replaced by A.
Protein change: p.Arg3785Gln; replaces arginine 3785 with glutamine.
Molecular consequence: missense variant.
Genome position (GRCh38, 1-based): chr5:151,517,729, C>T on the plus strand (G>A on the coding strand, the complement: FAT2 is on the minus strand). VCF-style: chr5-151517729-C-T. GRCh37 (hg19) VCF-style: chr5-150897290-C-T.
Other names: short protein forms R3785Q.
Identifiers: ClinVar variation 728285 (VCV000728285.28), dbSNP rs139138684, ClinGen allele CA3520023.